The following is an entry in ClinVar:

ClinVar aggregate classification (germline): Uncertain significance (1 of 4 stars; one submission).

Allele frequency attached by ClinVar (database versions not stated): gnomAD exomes below 0.00001.

Submission:

Labcorp Genetics (formerly Invitae), Labcorp
Classification: Uncertain significance. Last evaluated: 2022-08-16. Review status: criteria provided, single submitter. Criteria: Invitae Variant Classification Sherloc (09022015). Collection method: clinical testing. Allele origin: germline.
Comment: In summary, the available evidence is currently insufficient to determine the role of this variant in disease. Therefore, it has been classified as a Variant of Uncertain Significance. Algorithms developed to predict the effect of sequence changes on RNA splicing suggest that this variant may create or strengthen a splice site. Algorithms developed to predict the effect of missense changes on protein structure and function output the following: SIFT: "Deleterious"; PolyPhen-2: "Benign"; Align-GVGD: "Class C25". The arginine amino acid residue is found in multiple mammalian species, which suggests that this missense change does not adversely affect protein function. ClinVar contains an entry for this variant (Variation ID: 1422978). This variant has not been reported in the literature in individuals affected with SNAI2-related conditions. This variant is not present in population databases (gnomAD no frequency). This sequence change replaces lysine, which is basic and polar, with arginine, which is basic and polar, at codon 147 of the SNAI2 protein (p.Lys147Arg).

NM_003068.5(SNAI2):c.440A>G (p.Lys147Arg)

Gene: SNAI2 (snail family transcriptional repressor 2; minus strand). Cytogenetic location: 8q11.21.
Variant type: single nucleotide variant.
Coding change: c.440A>G on transcript NM_003068.5 (MANE Select); coding-DNA position 440, A replaced by G.
Protein change: p.Lys147Arg; replaces lysine 147 with arginine.
Molecular consequence: missense variant.
Genome position (GRCh38, 1-based): chr8:48,920,081, T>C on the plus strand (A>G on the coding strand, the complement: SNAI2 is on the minus strand). VCF-style: chr8-48920081-T-C. GRCh37 (hg19) VCF-style: chr8-49832640-T-C.
Other names: short protein forms K147R.
Identifiers: ClinVar variation 1422978 (VCV001422978.8), dbSNP rs2117648699, ClinGen allele CA371184020.